The following is an entry in ClinVar:

ClinVar aggregate classification (germline): Uncertain significance (1 of 4 stars; one submission).

Submission:

Labcorp Genetics (formerly Invitae), Labcorp
Classification: Uncertain significance. Last evaluated: 2025-12-01. Review status: criteria provided, single submitter. Criteria: Invitae Variant Classification Sherloc (09022015). Collection method: clinical testing. Allele origin: germline.
Comment: This sequence change replaces lysine, which is basic and polar, with glutamic acid, which is acidic and polar, at codon 1722 of the RAI1 protein (p.Lys1722Glu). This variant is not present in population databases (gnomAD no frequency). This variant has not been reported in the literature in individuals affected with RAI1-related conditions. ClinVar contains an entry for this variant (Variation ID: 1435393). Invitae Evidence Modeling of protein sequence and biophysical properties (such as structural, functional, and spatial information, amino acid conservation, physicochemical variation, residue mobility, and thermodynamic stability) has been performed for this missense variant. However, the output from this modeling did not meet the statistical confidence thresholds required to predict the impact of this variant on RAI1 protein function. In summary, the available evidence is currently insufficient to determine the role of this variant in disease. Therefore, it has been classified as a Variant of Uncertain Significance.

NM_030665.4(RAI1):c.5164A>G (p.Lys1722Glu)

Gene: RAI1 (retinoic acid induced 1; plus strand). Cytogenetic location: 17p11.2.
Variant type: single nucleotide variant.
Coding change: c.5164A>G on transcript NM_030665.4 (MANE Select); coding-DNA position 5164, A replaced by G.
Protein change: p.Lys1722Glu; replaces lysine 1722 with glutamic acid.
Molecular consequence: missense variant.
Genome position (GRCh38, 1-based): chr17:17,798,112, A>G. VCF-style: chr17-17798112-A-G. GRCh37 (hg19) VCF-style: chr17-17701426-A-G.
Other names: short protein forms K1722E.
Identifiers: ClinVar variation 1435393 (VCV001435393.8), dbSNP rs2143003395, ClinGen allele CA398558482.